The following is an entry in ClinVar:

ClinVar aggregate classification (germline): Uncertain significance. Review status: criteria provided, multiple submitters, no conflicts (2 of 4 stars). 2 submissions from 2 submitters: Uncertain significance (2). Last evaluated 2025-04-07.

Conditions:
Autosomal dominant aplasia and myelodysplasia. Also called: Bone marrow failure syndrome 1. Identifiers: Orphanet 314399, MedGen C3808553, MONDO:0013851, OMIM 614675.

Allele frequency attached by ClinVar (database versions not stated): gnomAD exomes 0.00001 and 0.00004; gnomAD 0.00002 and 0.00004; TOPMed 0.00002.

Submissions (2):

Labcorp Genetics (formerly Invitae), Labcorp
Classification: Uncertain significance. Last evaluated: 2025-04-07. Review status: criteria provided, single submitter. Criteria: Invitae Variant Classification Sherloc (09022015). Collection method: clinical testing. Allele origin: germline.
Comment: This sequence change replaces glutamine, which is neutral and polar, with lysine, which is basic and polar, at codon 546 of the SRP72 protein (p.Gln546Lys). This variant is present in population databases (no rsID available, gnomAD 0.01%). This variant has not been reported in the literature in individuals affected with SRP72-related conditions. ClinVar contains an entry for this variant (Variation ID: 907590). Invitae Evidence Modeling of protein sequence and biophysical properties (such as structural, functional, and spatial information, amino acid conservation, physicochemical variation, residue mobility, and thermodynamic stability) indicates that this missense variant is not expected to disrupt SRP72 protein function with a negative predictive value of 80%. In summary, the available evidence is currently insufficient to determine the role of this variant in disease. Therefore, it has been classified as a Variant of Uncertain Significance.

Illumina Laboratory Services, Illumina
Classification: Uncertain significance for Autosomal dominant aplasia and myelodysplasia. Last evaluated: 2018-01-13. Review status: criteria provided, single submitter. Criteria: ICSL Variant Classification Criteria 13 December 2019. Collection method: clinical testing. Allele origin: germline.

NM_006947.4(SRP72):c.1636C>A (p.Gln546Lys)

Gene: SRP72 (signal recognition particle 72; plus strand). Cytogenetic location: 4q12.
Variant type: single nucleotide variant.
Coding change: c.1636C>A on transcript NM_006947.4 (MANE Select); coding-DNA position 1636, C replaced by A.
Protein change: p.Gln546Lys; replaces glutamine 546 with lysine.
Molecular consequence: missense variant. On other transcripts: non-coding transcript variant (1).
Genome position (GRCh38, 1-based): chr4:56,491,564, C>A. VCF-style: chr4-56491564-C-A. GRCh37 (hg19) VCF-style: chr4-57357730-C-A.
Other names: c.1453C>A, p.Gln485Lys (NM_001267722.2); short protein forms Q485K, Q546K.
Identifiers: ClinVar variation 907590 (VCV000907590.11), dbSNP rs1185247120, ClinGen allele CA357002173.